The following is an entry in ClinVar:

ClinVar aggregate classification (germline): Uncertain significance. Review status: criteria provided, multiple submitters, no conflicts (2 of 4 stars). 2 submissions from 2 submitters: Uncertain significance (2). Last evaluated 2022-09-30.

Conditions:
PIEZO1-related disorder. Also called: PIEZO1-related condition; PIEZO1-Related Disorders.

Allele frequency attached by ClinVar (database versions not stated): TOPMed 0.00002.
gnomAD v4.1: 15 of 1,550,242 alleles (0.00097%); highest among the groups gnomAD compares: African/African-American, 0.0027%; no homozygotes.

Submissions (2):

PreventionGenetics, part of Exact Sciences
Classification: Uncertain significance for PIEZO1-related condition. Last evaluated: 2022-09-30. Review status: criteria provided, single submitter. Criteria: ACMG Guidelines, 2015. Collection method: clinical testing. Allele origin: germline.
Comment: The PIEZO1 c.7481A>G variant is predicted to result in the amino acid substitution p.Glu2494Gly. To our knowledge, this variant has not been reported in the literature. This variant is reported in 0.0017% of alleles in individuals of European (Non-Finnish) descent in gnomAD. At this time, the clinical significance of this variant is uncertain due to the absence of conclusive functional and genetic evidence.

Revvity Omics, Revvity
Classification: Uncertain significance. Last evaluated: 2021-10-11. Review status: criteria provided, single submitter. Criteria: ACMG Guidelines, 2015. Collection method: clinical testing. Allele origin: germline.

NM_001142864.4(PIEZO1):c.7481A>G (p.Glu2494Gly)

Gene: PIEZO1 (piezo type mechanosensitive ion channel component 1 (Er blood group); minus strand). Cytogenetic location: 16q24.3.
Variant type: single nucleotide variant.
Coding change: c.7481A>G on transcript NM_001142864.4 (MANE Select); coding-DNA position 7481, A replaced by G.
Protein change: p.Glu2494Gly; replaces glutamic acid 2494 with glycine.
Molecular consequence: missense variant.
Genome position (GRCh38, 1-based): chr16:88,715,690, T>C on the plus strand (A>G on the coding strand, the complement: PIEZO1 is on the minus strand). VCF-style: chr16-88715690-T-C. GRCh37 (hg19) VCF-style: chr16-88782098-T-C.
Other names: c.7481A>G (NM_001142864.3); c.6023A>G, p.Glu2008Gly (NM_014745.1); short protein forms E2008G, E2494G.
Identifiers: ClinVar variation 2434727 (VCV002434727.4), dbSNP rs914014470, ClinGen allele CA286405900.